The following is an entry in ClinVar:

NM_001003694.2(BRPF1):c.2489C>A (p.Ala830Asp)

Gene: BRPF1 (bromodomain and PHD finger containing 1; plus strand). Cytogenetic location: 3p25.3.
Variant type: single nucleotide variant.
Coding change: c.2489C>A on transcript NM_001003694.2 (MANE Select); coding-DNA position 2489, C replaced by A.
Protein change: p.Ala830Asp; replaces alanine 830 with aspartic acid.
Molecular consequence: missense variant. On other transcripts: non-coding transcript variant (1).
Genome position (GRCh38, 1-based): chr3:9,743,755, C>A. VCF-style: chr3-9743755-C-A. GRCh37 (hg19) VCF-style: chr3-9785439-C-A.
Other names: c.2471C>A, p.Ala824Asp (NM_001319049.2, NM_004634.3); c.2468C>A, p.Ala823Asp (NM_001319050.2); c.2486C>A, p.Ala829Asp (NM_001410704.1); short protein forms A823D, A824D, A829D, A830D.
Identifiers: ClinVar variation 3907406 (VCV003907406.1).

ClinVar aggregate classification (germline): Uncertain significance (1 of 4 stars; one submission).

Submission:

Women's Health and Genetics/Laboratory Corporation of America, LabCorp
Classification: Uncertain significance. Last evaluated: 2025-06-04. Review status: criteria provided, single submitter. Criteria: LabCorp Variant Classification Summary - May 2015. Collection method: clinical testing. Allele origin: germline.
Comment: Variant summary: BRPF1 c.2489C>A (p.Ala830Asp) results in a non-conservative amino acid change in the encoded protein sequence. Algorithms developed to predict the effect of missense changes on protein structure and function are either unavailable or do not agree on the potential impact of this missense change. The variant was absent in 250846 control chromosomes. The available data on variant occurrences in the general population are insufficient to allow any conclusion about variant significance. To our knowledge, no occurrence of c.2489C>A in individuals affected with Intellectual Developmental Disorder With Dysmorphic Facies And Ptosis and no experimental evidence demonstrating its impact on protein function have been reported. No submitters have cited clinical-significance assessments for this variant to ClinVar. Based on the evidence outlined above, the variant was classified as uncertain significance.